The following is an entry in ClinVar:

NM_000138.5(FBN1):c.1323A>G (p.Pro441=)

Gene: FBN1 (fibrillin 1; minus strand). Cytogenetic location: 15q21.1.
Variant type: single nucleotide variant.
Coding change: c.1323A>G on transcript NM_000138.5 (MANE Select); coding-DNA position 1323, A replaced by G.
Protein change: p.Pro441=; no amino-acid change (proline 441 retained).
Molecular consequence: synonymous variant.
Genome position (GRCh38, 1-based): chr15:48,516,187, T>C on the plus strand (A>G on the coding strand, the complement: FBN1 is on the minus strand). VCF-style: chr15-48516187-T-C. GRCh37 (hg19) VCF-style: chr15-48808384-T-C.
Identifiers: ClinVar variation 237080 (VCV000237080.58), dbSNP rs202030761, ClinGen allele CA044269.

ClinVar aggregate classification (germline): Benign/Likely benign. Review status: criteria provided, multiple submitters, no conflicts (2 of 4 stars). 11 submissions from 11 submitters: Benign (1); Likely benign (9). 1 of the submissions does not count toward it. Last evaluated 2026-03-27.

Conditions:
MASS syndrome (OCTD). Also called: MASS PHENOTYPE; OVERLAP CONNECTIVE TISSUE DISEASE. Identifiers: MedGen C1858556, MONDO:0011431, OMIM 604308.
Marfan syndrome (MFS). Also called: MARFAN SYNDROME, TYPE I; Marfan syndrome type 1; Marfan's syndrome; Marfan syndrome, classic; FBN1-Related Marfan Syndrome. Identifiers: Orphanet 284963, Orphanet 558, MedGen C0024796, MONDO:0007947, OMIM 154700.
Geleophysic dysplasia 2 (GPHYSD2). Identifiers: Orphanet 2623, MedGen C3280054, MONDO:0013612, OMIM 614185.
Stiff skin syndrome (SSKS). Identifiers: Orphanet 2833, MedGen C1861456, MONDO:0008492, OMIM 184900.
Ectopia lentis 1, isolated, autosomal dominant (ECTOL1). Identifiers: Orphanet 1885, MedGen C3541518, MONDO:0007514, OMIM 129600.
Progeroid and marfanoid aspect-lipodystrophy syndrome. Also called: MARFANOID-PROGEROID SYNDROME; MARFAN-PROGEROID-LIPODYSTROPHY SYNDROME; Marfan lipodystrophy syndrome; MARFANOID-PROGEROID-LIPODYSTROPHY SYNDROME. Identifiers: Orphanet 300382, MedGen C4310796, MONDO:0014831, OMIM 616914.
Acromicric dysplasia (ACMICD). Also called: Acromicric skeletal dysplasia. Identifiers: Orphanet 969, MedGen C0265287, MONDO:0007055, OMIM 102370.
Weill-Marchesani syndrome 2, dominant. Also called: FBN1-Related Weill-Marchesani Syndrome; Weill-Marchesani Syndrome, Autosomal Dominant. Identifiers: Orphanet 2084, MedGen C1869115, MONDO:0012013, OMIM 608328.
Familial thoracic aortic aneurysm and aortic dissection (TAAD). Also called: Thoracic aortic aneurysms and dissections. Identifiers: Orphanet 91387, MedGen C4707243, MONDO:0019625.

Allele frequency attached by ClinVar (database versions not stated): ExAC 0.00004; gnomAD exomes 0.00008 and 0.00015; gnomAD 0.00011 and 0.00013; TOPMed 0.00012; 1000 Genomes Project 30x 0.00016; 1000 Genomes Project 0.00020.
gnomAD v4.1: 238 of 1,613,650 alleles (0.015%); highest among the groups gnomAD compares: Non-Finnish European, 0.019%; no homozygotes.

Submissions (11):

Molecular Diagnostic Laboratory for Inherited Cardiovascular Disease, Montreal Heart Institute
Classification: Likely benign. Last evaluated: 2026-03-27. Review status: criteria provided, single submitter. Criteria: ACMG Guidelines, 2015. Collection method: clinical testing. Allele origin: germline. Affected: no.
Comment: BS1;BP7

Labcorp Genetics (formerly Invitae), Labcorp
Classification: Likely benign for Marfan syndrome; Familial thoracic aortic aneurysm and aortic dissection. Last evaluated: 2026-01-21. Review status: criteria provided, single submitter. Criteria: Invitae Variant Classification Sherloc (09022015). Collection method: clinical testing. Allele origin: germline.

Women's Health and Genetics/Laboratory Corporation of America, LabCorp
Classification: Likely benign. Last evaluated: 2024-03-11. Review status: criteria provided, single submitter. Criteria: LabCorp Variant Classification Summary - May 2015. Collection method: clinical testing. Allele origin: germline.

Blueprint Genetics
Classification: Likely benign. Last evaluated: 2022-10-05. Review status: criteria provided, single submitter. Criteria: ACMG Guidelines, 2015. Collection method: clinical testing. Allele origin: germline.

Fulgent Genetics
Classification: Likely benign for Acromicric dysplasia; Ectopia lentis 1, isolated, autosomal dominant; Marfan syndrome; Stiff skin syndrome; MASS syndrome; Weill-Marchesani syndrome 2, dominant; Geleophysic dysplasia 2; Progeroid and marfanoid aspect-lipodystrophy syndrome. Last evaluated: 2021-07-03. Review status: criteria provided, single submitter. Criteria: ACMG Guidelines, 2015. Collection method: clinical testing. Allele origin: unknown.

CeGaT Center for Human Genetics Tuebingen
Classification: Likely benign. Last evaluated: 2021-07-01. Review status: criteria provided, single submitter. Criteria: CeGaT Center For Human Genetics Tuebingen Variant Classification Criteria Version 2. Collection method: clinical testing. Allele origin: germline. Affected: yes. Observed: 1 variant allele.

Genetic Services Laboratory, University of Chicago
Classification: Likely benign. Last evaluated: 2021-02-12. Review status: criteria provided, single submitter. Criteria: ACMG Guidelines, 2015. Collection method: clinical testing. Allele origin: germline. Affected: no.

Color Diagnostics, LLC DBA Color Health
Classification: Likely benign for Familial thoracic aortic aneurysm and aortic dissection. Last evaluated: 2018-07-02. Review status: criteria provided, single submitter. Criteria: ACMG Guidelines, 2015. Collection method: clinical testing. Allele origin: germline.

Ambry Genetics
Classification: Likely benign for Familial thoracic aortic aneurysm and aortic dissection. Last evaluated: 2016-12-23. Review status: criteria provided, single submitter. Criteria: Ambry Variant Classification Scheme 2023. Collection method: clinical testing. Allele origin: germline.

GeneDx
Classification: Benign. Last evaluated: 2015-10-12. Review status: criteria provided, single submitter. Criteria: GeneDx Variant Classification (06012015). Collection method: clinical testing. Allele origin: germline. Affected: yes.
Comment: This variant is considered likely benign or benign based on one or more of the following criteria: it is a conservative change, it occurs at a poorly conserved position in the protein, it is predicted to be benign by multiple in silico algorithms, and/or has population frequency not consistent with disease.

Center for Medical Genetics Ghent, University of Ghent
Classification: Uncertain significance for Marfan syndrome. Last evaluated: 2017-11-07. Review status: no assertion criteria provided. Collection method: clinical testing. Allele origin: germline. Affected: yes. Not counted in ClinVar's aggregate classification.